The following is an entry in ClinVar:

ClinVar aggregate classification (germline): Likely benign (0 of 4 stars; one submission).

Conditions:
KCNJ12-related disorder. Also called: KCNJ12-related condition.

Allele frequency attached by ClinVar (database versions not stated): ExAC 0.00002; gnomAD 0.00011.

Submission:

PreventionGenetics, part of Exact Sciences
Classification: Likely benign for KCNJ12-related condition. Last evaluated: 2020-03-19. Review status: no assertion criteria provided. Collection method: clinical testing. Allele origin: germline.
Comment: This variant is classified as likely benign based on ACMG/AMP sequence variant interpretation guidelines (Richards et al. 2015 PMID: 25741868, with internal and published modifications).

NM_021012.5(KCNJ12):c.459G>A (p.Glu153=)

Gene: KCNJ12 (potassium inwardly rectifying channel subfamily J member 12; plus strand). Cytogenetic location: 17p11.2.
Variant type: single nucleotide variant.
Coding change: c.459G>A on transcript NM_021012.5 (MANE Select); coding-DNA position 459, G replaced by A.
Protein change: p.Glu153=; no amino-acid change (glutamic acid 153 retained).
Molecular consequence: synonymous variant.
Genome position (GRCh38, 1-based): chr17:21,415,801, G>A. VCF-style: chr17-21415801-G-A. GRCh37 (hg19) VCF-style: chr17-21319113-G-A.
Identifiers: ClinVar variation 3043241 (VCV003043241.2), dbSNP rs782404782, ClinGen allele CA8451142.